The following is an entry in ClinVar:

ClinVar aggregate classification (germline): Uncertain significance (1 of 4 stars; one submission).

Submission:

GeneDx
Classification: Uncertain significance. Last evaluated: 2023-10-24. Review status: criteria provided, single submitter. Criteria: GeneDx Variant Classification Process June 2021. Collection method: clinical testing. Allele origin: germline. Affected: yes.
Comment: Not observed at significant frequency in large population cohorts (gnomAD); In silico analysis supports that this missense variant has a deleterious effect on protein structure/function; Has not been previously published as pathogenic or benign to our knowledge

NM_024496.4(IRF2BPL):c.571A>C (p.Asn191His)

Gene: IRF2BPL (interferon regulatory factor 2 binding protein like; minus strand). Cytogenetic location: 14q24.3.
Variant type: single nucleotide variant.
Coding change: c.571A>C on transcript NM_024496.4 (MANE Select); coding-DNA position 571, A replaced by C.
Protein change: p.Asn191His; replaces asparagine 191 with histidine.
Molecular consequence: missense variant.
Genome position (GRCh38, 1-based): chr14:77,027,222, T>G on the plus strand (A>C on the coding strand, the complement: IRF2BPL is on the minus strand). VCF-style: chr14-77027222-T-G. GRCh37 (hg19) VCF-style: chr14-77493565-T-G.
Other names: short protein forms N191H.
Identifiers: ClinVar variation 3363439 (VCV003363439.1).
Genomic context (GRCh38, chr14:77,027,222, plus strand): 5'-GCTCTGGGGGTCCCTCCTCTGGTGTTGGTTTGGGGAAGCCGTTTGGGCCCCCCAGGCCGT[T>G]GGGCAGTCGCGCGGTGTGGCTGCTGCTTCCCAGGCTCACCGGCGGTGGCGGGTACTCGAA-3'
Protein context (NP_078772.1, residues 181-201): GSSSHTARLP[Asn191His]GLGGPNGFPK